The following is an entry in ClinVar:

NM_020987.5(ANK3):c.11051C>G (p.Pro3684Arg)

Gene: ANK3 (ankyrin 3; minus strand). Cytogenetic location: 10q21.2.
Variant type: single nucleotide variant.
Coding change: c.11051C>G on transcript NM_020987.5 (MANE Select); coding-DNA position 11051, C replaced by G.
Protein change: p.Pro3684Arg; replaces proline 3684 with arginine.
Molecular consequence: missense variant. On other transcripts: intron variant (4).
Genome position (GRCh38, 1-based): chr10:60,069,830, G>C on the plus strand (C>G on the coding strand, the complement: ANK3 is on the minus strand). VCF-style: chr10-60069830-G-C. GRCh37 (hg19) VCF-style: chr10-61829588-G-C.
Other names: c.4388-1821C>G (NM_001204403.2); c.4409-1821C>G (NM_001204404.2); c.4406-1821C>G (NM_001320874.2); c.1808-1821C>G (NM_001149.4); short protein forms P3684R.
Identifiers: ClinVar variation 4882542 (VCV004882542.2).

ClinVar aggregate classification (germline): Uncertain significance (1 of 4 stars; one submission).

Submission:

Dasa
Classification: Uncertain significance. Last evaluated: 2025-02-12. Review status: criteria provided, single submitter. Criteria: DASA Assertion Criteria. Collection method: clinical testing. Allele origin: germline.
Comment: NM_020987.5(ANK3):c.11051C>G (p.Pro3684Arg) is a missense variant that results in the substitution of proline with arginine. This variant is absent from population databases. Computational prediction algorithms are consistent with a benign effect. The currently available literature and clinical evidence are not sufficient to establish a definitive association between this variant and the reported condition. Therefore, this variant is classified as a variant of uncertain significance.